The following is an entry in ClinVar:

ClinVar aggregate classification (germline): Benign. Review status: criteria provided, multiple submitters, no conflicts (2 of 4 stars). 6 submissions from 6 submitters: Benign (6). Last evaluated 2026-02-04.

Conditions:
Microcephalic osteodysplastic primordial dwarfism type II (MOPD2). Also called: Microcephalic osteodysplastic primordial dwarfism with tooth abnormalities; MOPD II; OSTEODYSPLASTIC PRIMORDIAL DWARFISM, TYPE II. Identifiers: Orphanet 2637, MedGen C0432246, MONDO:0008872, OMIM 210720.

Allele frequency attached by ClinVar (database versions not stated): 1000 Genomes Project 0.10583; 1000 Genomes Project 30x 0.10946; gnomAD exomes 0.12422 and 0.15434; ExAC 0.12772; gnomAD 0.13988 and 0.14350; TOPMed 0.14219; ESP Exome Variant Server 0.15900.
gnomAD v4.1: 240,863 of 1,579,672 alleles (15%); highest among the groups gnomAD compares: Non-Finnish European, 17%; 19,696 homozygotes.

Submissions (6):

Labcorp Genetics (formerly Invitae), Labcorp
Classification: Benign. Last evaluated: 2026-02-04. Review status: criteria provided, single submitter. Criteria: Invitae Variant Classification Sherloc (09022015). Collection method: clinical testing. Allele origin: germline.

Genome-Nilou Lab
Classification: Benign for Microcephalic osteodysplastic primordial dwarfism type II. Last evaluated: 2021-09-05. Review status: criteria provided, single submitter. Criteria: ACMG Guidelines, 2015. Collection method: clinical testing. Allele origin: germline. Affected: no.

Illumina Laboratory Services, Illumina
Classification: Benign for Microcephalic osteodysplastic primordial dwarfism type II. Last evaluated: 2018-01-13. Review status: criteria provided, single submitter. Criteria: ICSL Variant Classification Criteria 13 December 2019. Collection method: clinical testing. Allele origin: germline.
Comment: This variant was observed in the ICSL laboratory as part of a predisposition screen in an ostensibly healthy population. It had not been previously curated by ICSL or reported in the Human Gene Mutation Database (HGMD: prior to June 1st, 2018), and was therefore a candidate for classification through an automated scoring system. Utilizing variant allele frequency, disease prevalence and penetrance estimates, and inheritance mode, an automated score was calculated to assess if this variant is too frequent to cause the disease. Based on the score and internal cut-off values, a variant classified as benign is not then subjected to further curation. The score for this variant resulted in a classification of benign for this disease.

GeneDx
Classification: Benign. Last evaluated: 2015-03-03. Review status: criteria provided, single submitter. Criteria: GeneDx Variant Classification Process June 2021. Collection method: clinical testing. Allele origin: germline. Affected: yes.

Genetic Services Laboratory, University of Chicago
Classification: Benign. Last evaluated: 2013-02-08. Review status: criteria provided, single submitter. Criteria: ACMG Guidelines, 2007. Collection method: clinical testing. Allele origin: germline. Inheritance: Autosomal recessive inheritance.

Breakthrough Genomics
Classification: Benign. Review status: criteria provided, single submitter. Criteria: ACMG Guidelines, 2015. Collection method: not provided. Allele origin: germline. Inheritance: Autosomal recessive inheritance. Affected: yes.

NM_006031.6(PCNT):c.9394-4T>C

Gene: PCNT (pericentrin; plus strand). Cytogenetic location: 21q22.3.
Variant type: single nucleotide variant.
Coding change: c.9394-4T>C on transcript NM_006031.6 (MANE Select); 4 bases into the intron before coding-DNA position 9394, T replaced by C.
Molecular consequence: intron variant.
Genome position (GRCh38, 1-based): chr21:46,440,851, T>C. VCF-style: chr21-46440851-T-C. GRCh37 (hg19) VCF-style: chr21-47860764-T-C.
Other names: c.8803-4T>C (NM_001315529.2).
Identifiers: ClinVar variation 159692 (VCV000159692.22), dbSNP rs2839260, ClinGen allele CA173146.